The following is an entry in ClinVar:

NM_001374736.1(DST):c.13619A>G (p.Glu4540Gly)

Gene: DST (dystonin; minus strand). Cytogenetic location: 6p12.1.
Variant type: single nucleotide variant.
Coding change: c.13619A>G on transcript NM_001374736.1 (MANE Select); coding-DNA position 13619, A replaced by G.
Protein change: p.Glu4540Gly; replaces glutamic acid 4540 with glycine.
Molecular consequence: missense variant.
Genome position (GRCh38, 1-based): chr6:56,572,202, T>C on the plus strand (A>G on the coding strand, the complement: DST is on the minus strand). VCF-style: chr6-56572202-T-C. GRCh37 (hg19) VCF-style: chr6-56437000-T-C.
Other names: c.7262A>G, p.Glu2421Gly (NM_001144769.5); c.6848A>G, p.Glu2283Gly (NM_001144770.2); c.13619A>G, p.Glu4540Gly (NM_001374722.1); c.12986A>G, p.Glu4329Gly (NM_001374729.1); c.6728A>G, p.Glu2243Gly (NM_001374730.1, NM_001386100.1, NM_183380.4); c.13646A>G, p.Glu4549Gly (NM_001374734.1); c.5750A>G, p.Glu1917Gly (NM_015548.5); short protein forms E1917G, E2243G, E2283G, E2421G, E4329G, E4540G, E4549G.
Identifiers: ClinVar variation 5017727 (VCV005017727.1).

ClinVar aggregate classification (germline): Uncertain significance (1 of 4 stars; one submission).

Submission:

GeneDx
Classification: Uncertain significance. Last evaluated: 2026-03-31. Review status: criteria provided, single submitter. Criteria: GeneDx Variant Classification Process June 2021. Collection method: clinical testing. Allele origin: germline.
Comment: Not observed at significant frequency in large population cohorts (gnomAD); In silico analysis supports that this missense variant has a deleterious effect on protein structure/function; Has not been previously published as pathogenic or benign to our knowledge; Reported using an alternate transcript (non-epithelial isoform) of the gene